The following is an entry in ClinVar:

ClinVar aggregate classification (germline): Conflicting classifications of pathogenicity. Review status: criteria provided, conflicting classifications (1 of 4 stars). 3 submissions from 3 submitters: Uncertain significance (1); Likely benign (2). Last evaluated 2024-05-07.

Conditions:
Hereditary cancer-predisposing syndrome. Also called: Hereditary neoplastic syndrome; Tumor predisposition; Neoplastic Syndromes, Hereditary; Hereditary Cancer Syndrome. Identifiers: Orphanet 140162, MedGen C0027672, MeSH D009386, MONDO:0015356.
Microcephaly, normal intelligence and immunodeficiency (NBS). Also called: Immunodeficiency, microcephaly with normal intelligence; BERLIN BREAKAGE SYNDROME; IMMUNODEFICIENCY, MICROCEPHALY, AND CHROMOSOMAL INSTABILITY; SEEMANOVA SYNDROME II; Nijmegen breakage syndrome; Microcephaly with normal intelligence immunodeficiency and lymphoreticular malignancies. Identifiers: Orphanet 647, MedGen C0398791, MONDO:0009623, OMIM 251260.

Allele frequency attached by ClinVar (database versions not stated): gnomAD exomes below 0.00001.
gnomAD v4.1: 1 of 1,614,022 alleles (0.000062%); highest among the groups gnomAD compares: Non-Finnish European, 0.000085%; no homozygotes.

Submissions (3):

GeneDx
Classification: Uncertain significance. Last evaluated: 2024-05-07. Review status: criteria provided, single submitter. Criteria: GeneDx Variant Classification Process June 2021. Collection method: clinical testing. Allele origin: germline. Affected: yes.
Comment: Not observed at significant frequency in large population cohorts (gnomAD); In silico analysis indicates that this variant does not alter splicing; Has not been previously published as pathogenic or benign to our knowledge

Labcorp Genetics (formerly Invitae), Labcorp
Classification: Likely benign for Microcephaly, normal intelligence and immunodeficiency. Last evaluated: 2023-01-26. Review status: criteria provided, single submitter. Criteria: Invitae Variant Classification Sherloc (09022015). Collection method: clinical testing. Allele origin: germline.

Ambry Genetics
Classification: Likely benign for Hereditary cancer-predisposing syndrome. Last evaluated: 2020-01-15. Review status: criteria provided, single submitter. Criteria: Ambry Variant Classification Scheme 2023. Collection method: clinical testing. Allele origin: germline.

NM_002485.5(NBN):c.790T>C (p.Leu264=)

Gene: NBN (nibrin; minus strand). Cytogenetic location: 8q21.3.
Variant type: single nucleotide variant.
Coding change: c.790T>C on transcript NM_002485.5 (MANE Select); coding-DNA position 790, T replaced by C.
Protein change: p.Leu264=; no amino-acid change (leucine 264 retained).
Molecular consequence: synonymous variant.
Genome position (GRCh38, 1-based): chr8:89,970,470, A>G on the plus strand (T>C on the coding strand, the complement: NBN is on the minus strand). VCF-style: chr8-89970470-A-G. GRCh37 (hg19) VCF-style: chr8-90982698-A-G.
Other names: c.544T>C, p.Leu182= (NM_001024688.3).
Identifiers: ClinVar variation 1112116 (VCV001112116.12), dbSNP rs2129829667, ClinGen allele CA461830837.